The following is an entry in ClinVar:

ClinVar aggregate classification (germline): Pathogenic (1 of 4 stars; one submission).

Conditions:
Sotos syndrome (SOTOS). Also called: Distinctive facial appearance, overgrowth in childhood, and learning disabilities or delayed development; CEREBRAL GIGANTISM; Sotos' syndrome; CHROMOSOME 5q35 DELETION SYNDROME; SOTOS SYNDROME 1. Identifiers: Orphanet 821, MedGen C0175695, MONDO:0019349, OMIM 117550.

Submission:

Clinical Genomics Laboratory, Stanford Medicine
Classification: Pathogenic for Sotos syndrome. Last evaluated: 2022-03-03. Review status: criteria provided, single submitter. Criteria: ACMG Guidelines, 2015. Collection method: clinical testing. Allele origin: de novo. Inheritance: Autosomal dominant inheritance. Affected: yes. Observed: 1 variant allele, 1 heterozygote.
Comment: This variant was absent from large population databases, including the Genome Aggregation Database. The p.Tyr1941* variant leads to a premature stop codon in exon 18 of 23 exons, and is therefore predicted to undergo nonsense-mediated decay resulting in a truncated or absent protein. Heterozygous loss-of-function is an established mechanism of disease for the NSD1 gene. These data were assessed using the ACMG/AMP variant interpretation guidelines. In summary, there is sufficient evidence to classify the p.Tyr1941* variant as pathogenic for autosomal dominant Sotos syndrome based on the information above. [ACMG evidence codes used: PVS1; PM2; PS2_Moderate]

NM_022455.5(NSD1):c.5823T>A (p.Tyr1941Ter)

Gene: NSD1 (nuclear receptor binding SET domain protein 1; plus strand). Cytogenetic location: 5q35.3.
Variant type: single nucleotide variant.
Coding change: c.5823T>A on transcript NM_022455.5 (MANE Select); coding-DNA position 5823, T replaced by A.
Protein change: p.Tyr1941Ter; replaces tyrosine 1941 with a stop codon.
Molecular consequence: nonsense.
Genome position (GRCh38, 1-based): chr5:177,280,765, T>A. VCF-style: chr5-177280765-T-A. GRCh37 (hg19) VCF-style: chr5-176707766-T-A.
Other names: c.4950T>A, p.Tyr1650Ter (NM_001365684.2, NM_001409308.1, NM_001409309.1 and 1 more transcripts); c.5823T>A, p.Tyr1941Ter (NM_001409301.1, NM_001409302.1, NM_001409303.1); c.5403T>A, p.Tyr1801Ter (NM_001409304.1); c.5070T>A, p.Tyr1690Ter (NM_001409305.1); c.5061T>A, p.Tyr1687Ter (NM_001409306.1, NM_001409307.1); short protein forms Y1650*, Y1687*, Y1690*, Y1801*, Y1941*.
Identifiers: ClinVar variation 3765495 (VCV003765495.1).